The following is an entry in ClinVar:

NM_004415.4(DSP):c.6170del (p.Gly2057fs)

Gene: DSP (desmoplakin; plus strand). Cytogenetic location: 6p24.3.
Variant type: Deletion.
Coding change: c.6170del on transcript NM_004415.4 (MANE Select); coding-DNA position 6170, one base deleted (G; older notation c.6170delG).
Protein change: p.Gly2057fs; shifts the reading frame from glycine 2057.
Molecular consequence: frameshift variant.
Genome position (GRCh38, 1-based): chr6:7,583,432, G deleted; the last of 2 consecutive G bases (chr6:7,583,431-7,583,432); deleting either gives the same sequence. VCF-style (leftmost placement, unchanged base first): chr6-7583430-TG-T. GRCh37 (hg19) VCF-style: chr6-7583663-TG-T.
Other names: c.4373del, p.Gly1458fs (NM_001008844.3); c.4841del, p.Gly1614fs (NM_001319034.2); short protein forms G1614fs, G1458fs, G2057fs.
Identifiers: ClinVar variation 1752007 (VCV001752007.3), dbSNP rs2533939668, ClinGen allele CA2580075539.
Genomic context (GRCh38, chr6:7,583,430, plus strand): 5'-AAAGAAATTAATCAGCCCAGAATCCACAGTCATGCTTCTGGAGGCCCAGGCAGCTACAGG[TG>T]GTATAATTGATCCCCATCGGAATGAGAAGCTGACTGTCGACAGTGCCATAGCTCGGGACC-3'

ClinVar aggregate classification (germline): Pathogenic (1 of 4 stars; one submission).

Conditions:
Cardiovascular phenotype. Identifiers: MedGen CN230736.

Submission:

Ambry Genetics
Classification: Pathogenic for Cardiovascular phenotype. Last evaluated: 2025-07-02. Review status: criteria provided, single submitter. Criteria: Ambry Variant Classification Scheme 2023. Collection method: clinical testing. Allele origin: germline.
Comment: The c.6170delG pathogenic mutation, located in coding exon 24 of the DSP gene, results from a deletion of one nucleotide at nucleotide position 6170, causing a translational frameshift with a predicted alternate stop codon (p.G2057Vfs*2). This alteration occurs at the 3' terminus of theDSP gene, is not expected to trigger nonsense-mediated mRNA decay, and only impacts the last 28% of the protein. However, premature stop codons are typically deleterious in nature and the impacted region is critical for protein function (Ambry internal data). Alterations in DSP that result in haploinsufficiency or protein truncation have been reported in patients with arrhythmogenic right ventricular cardiomyopathy (ARVC) and dilated cardiomyopathy (DCM) (Fressart V et al. Europace. 2010;12(6):861-8; Elliott P et al. Circ Cardiovasc Genet. 2010;3(4):314-22; Quarta G et al. Circulation. 2011;123(23):2701-9; Garcia-Pavia P et al. Heart. 2011;97(21):1744-52; Rasmussen TB et al. Clin Genet. 2013;84(1):20-30; Pugh TJ et al. Genet Med. 2014;16(8):601-8). This variant is considered to be rare based on population cohorts in the Genome Aggregation Database (gnomAD). Based on the supporting evidence, this alteration is interpreted as a disease-causing mutation.